The following is an entry in ClinVar:

NM_001371596.2(MFSD8):c.62+4A>C

Gene: MFSD8 (major facilitator superfamily domain containing 8; minus strand). Cytogenetic location: 4q28.2.
Variant type: single nucleotide variant.
Coding change: c.62+4A>C on transcript NM_001371596.2 (MANE Select); 4 bases into the intron after coding-DNA position 62, A replaced by C.
Molecular consequence: intron variant.
Genome position (GRCh38, 1-based): chr4:127,965,068, T>G on the plus strand (A>C on the coding strand, the complement: MFSD8 is on the minus strand). VCF-style: chr4-127965068-T-G. GRCh37 (hg19) VCF-style: chr4-128886223-T-G.
Other names: c.-72+4A>C (NM_001371595.1); c.-74+829A>C (NM_001410765.1, NM_001371590.2); c.62+4A>C (NM_152778.4, NM_001363521.3, NM_001410766.1 and 5 more transcripts).
Identifiers: ClinVar variation 2066610 (VCV002066610.4), dbSNP rs2546291247, ClinGen allele CA2580071505.

ClinVar aggregate classification (germline): Uncertain significance (1 of 4 stars; one submission).

Conditions:
Neuronal ceroid lipofuscinosis 7 (CLN7). Also called: MFSD8-Related Neuronal Ceroid-Lipofuscinosis. Identifiers: Orphanet 168491, Orphanet 228366, MedGen C1838571, MONDO:0012588, OMIM 610951.

Submission:

Labcorp Genetics (formerly Invitae), Labcorp
Classification: Uncertain significance for Neuronal ceroid lipofuscinosis 7. Last evaluated: 2024-10-15. Review status: criteria provided, single submitter. Criteria: Invitae Variant Classification Sherloc (09022015). Collection method: clinical testing. Allele origin: germline.
Comment: This sequence change falls in intron 2 of the MFSD8 gene. It does not directly change the encoded amino acid sequence of the MFSD8 protein. It affects a nucleotide within the consensus splice site. This variant is not present in population databases (gnomAD no frequency). This variant has not been reported in the literature in individuals affected with MFSD8-related conditions. ClinVar contains an entry for this variant (Variation ID: 2066610). Variants that disrupt the consensus splice site are a relatively common cause of aberrant splicing (PMID: 17576681, 9536098). Algorithms developed to predict the effect of sequence changes on RNA splicing suggest that this variant may disrupt the consensus splice site. In summary, the available evidence is currently insufficient to determine the role of this variant in disease. Therefore, it has been classified as a Variant of Uncertain Significance.

Literature cited by the submitters: PubMed 17576681; PubMed 9536098.